The following is an entry in ClinVar:

NM_001130144.3(LTBP3):c.3386-3C>T

Genes: LTBP3 (latent transforming growth factor beta binding protein 3; minus strand), LOC130006027 (ATAC-STARR-seq lymphoblastoid silent region 3530; plus strand). Cytogenetic location: 11q13.1.
Variant type: single nucleotide variant.
Coding change: c.3386-3C>T on transcript NM_001130144.3 (MANE Select); 3 bases into the intron before coding-DNA position 3386, C replaced by T.
Molecular consequence: intron variant.
Genome position (GRCh38, 1-based): chr11:65,539,884, G>A on the plus strand (C>T on the coding strand, the complement: LTBP3 is on the minus strand). VCF-style: chr11-65539884-G-A. GRCh37 (hg19) VCF-style: chr11-65307355-G-A.
Other names: c.2894-3C>T (NM_001164266.1); c.3245-3C>T (NM_021070.4).
Identifiers: ClinVar variation 3618885 (VCV003618885.2).

ClinVar aggregate classification (germline): Uncertain significance (1 of 4 stars; one submission).

Conditions:
Brachyolmia-amelogenesis imperfecta syndrome. Also called: PLATYSPONDYLY WITH AMELOGENESIS IMPERFECTA; Tooth agenesis, selective, 6; Dental anomalies and short stature. Identifiers: Orphanet 2899, MedGen C1832594, MONDO:0011018, OMIM 601216. Disease mechanism: loss of function.

Submission:

Labcorp Genetics (formerly Invitae), Labcorp
Classification: Uncertain significance for Brachyolmia-amelogenesis imperfecta syndrome. Last evaluated: 2025-08-03. Review status: criteria provided, single submitter. Criteria: Invitae Variant Classification Sherloc (09022015). Collection method: clinical testing. Allele origin: germline.
Comment: This sequence change falls in intron 24 of the LTBP3 gene. It does not directly change the encoded amino acid sequence of the LTBP3 protein. It affects a nucleotide within the consensus splice site. This variant is not present in population databases (gnomAD no frequency). This variant has not been reported in the literature in individuals affected with LTBP3-related conditions. ClinVar contains an entry for this variant (Variation ID: 3618885). Variants that disrupt the consensus splice site are a relatively common cause of aberrant splicing (PMID: 17576681, 9536098). Algorithms developed to predict the effect of sequence changes on RNA splicing suggest that this variant is not likely to affect RNA splicing. In summary, the available evidence is currently insufficient to determine the role of this variant in disease. Therefore, it has been classified as a Variant of Uncertain Significance.

Literature cited by the submitters: PubMed 17576681; PubMed 9536098.